The following is an entry in ClinVar:

ClinVar aggregate classification (germline): Uncertain significance (1 of 4 stars; one submission).

Conditions:
Peroxisome biogenesis disorder 7A (Zellweger). Also called: Peroxisome biogenesis disorder 7A. Identifiers: Orphanet 912, MedGen C3888385, MONDO:0013938, OMIM 614872.
Peroxisome biogenesis disorder 7B (PBD7B). Identifiers: Orphanet 44, MedGen C3553951, MONDO:0013939, OMIM 614873.

Allele frequency attached by ClinVar (database versions not stated): gnomAD 0.00001; ESP Exome Variant Server 0.00008; ExAC 0.00011.
gnomAD v4.1: 7 of 1,599,610 alleles (0.00044%); highest among the groups gnomAD compares: Non-Finnish European, 0.0006%; no homozygotes.

Submission:

Labcorp Genetics (formerly Invitae), Labcorp
Classification: Uncertain significance for Peroxisome biogenesis disorder 7A (Zellweger); Peroxisome biogenesis disorder 7B. Last evaluated: 2021-12-22. Review status: criteria provided, single submitter. Criteria: Invitae Variant Classification Sherloc (09022015). Collection method: clinical testing. Allele origin: germline.
Comment: In summary, the available evidence is currently insufficient to determine the role of this variant in disease. Therefore, it has been classified as a Variant of Uncertain Significance. Algorithms developed to predict the effect of missense changes on protein structure and function (SIFT, PolyPhen-2, Align-GVGD) all suggest that this variant is likely to be tolerated. This variant has not been reported in the literature in individuals affected with PEX26-related conditions. The frequency data for this variant in the population databases is considered unreliable, as metrics indicate poor data quality at this position in the gnomAD database. This sequence change replaces alanine, which is neutral and non-polar, with threonine, which is neutral and polar, at codon 69 of the PEX26 protein (p.Ala69Thr).

NM_001127649.3(PEX26):c.205G>A (p.Ala69Thr)

Gene: PEX26 (peroxisomal biogenesis factor 26; plus strand). Cytogenetic location: 22q11.21.
Variant type: single nucleotide variant.
Coding change: c.205G>A on transcript NM_001127649.3 (MANE Select); coding-DNA position 205, G replaced by A.
Protein change: p.Ala69Thr; replaces alanine 69 with threonine.
Molecular consequence: missense variant.
Genome position (GRCh38, 1-based): chr22:18,078,581, G>A. VCF-style: chr22-18078581-G-A. GRCh37 (hg19) VCF-style: chr22-18561347-G-A.
Other names: c.205G>A, p.Ala69Thr (NM_001199319.2, NM_017929.6); short protein forms A69T.
Identifiers: ClinVar variation 1486849 (VCV001486849.6), dbSNP rs372192286, ClinGen allele CA10093244.